The following is an entry in ClinVar:

ClinVar aggregate classification (germline): Likely pathogenic (1 of 4 stars; one submission).

Conditions:
Central hypoventilation syndrome, congenital, 1, with or without Hirschsprung disease (CCHS1). Also called: Central hypoventilation syndrome, congenital, 1, with or without Hirschsprung; CENTRAL HYPOVENTILATION SYNDROME, CONGENITAL, 1; AUTONOMIC CONTROL, CONGENITAL FAILURE OF; ONDINE CURSE, CONGENITAL; Congenital Central Hypoventilation Syndrome (CCHS). Identifiers: Orphanet 661, MedGen C5562075, MONDO:0800026, OMIM 209880.

Submission:

MVZ Medizinische Genetik Mainz
Classification: Likely pathogenic for Central hypoventilation syndrome, congenital, 1, with or without Hirschsprung disease. Last evaluated: 2022-07-05. Review status: criteria provided, single submitter. Criteria: UK Practice Guidelines For Variant Classification V4 01 2020. Collection method: clinical testing. Allele origin: germline. Inheritance: Autosomal dominant inheritance. Observed: 1 variant allele.
Comment: ACMG Criteria: PVS1, PM2_SUP

NM_003924.4(PHOX2B):c.344_347dup (p.Phe117fs)

Gene: PHOX2B (paired like homeobox 2B; minus strand). Cytogenetic location: 4p13.
Variant type: Duplication.
Coding change: c.344_347dup on transcript NM_003924.4 (MANE Select); coding-DNA positions 344 to 347, 4 bases duplicated (GGGT; older notation c.344_347dupGGGT).
Protein change: p.Phe117fs; shifts the reading frame from phenylalanine 117.
Molecular consequence: frameshift variant.
Genome position (GRCh38, 1-based): chr4:41,747,431-41,747,434, ACCC duplicated on the plus strand (GGGT on the coding strand, the reverse complement: PHOX2B is on the minus strand). VCF-style (leftmost placement, unchanged base first): chr4-41747430-G-GACCC. GRCh37 (hg19) VCF-style: chr4-41749447-G-GACCC.
Other names: short protein forms F117fs.
Identifiers: ClinVar variation 3066323 (VCV003066323.1), dbSNP rs2552097023, ClinGen allele CA2740097799.